The following is an entry in ClinVar:

NM_002047.4(GARS1):c.2065C>T (p.Arg689Cys)

Gene: GARS1 (glycyl-tRNA synthetase 1; plus strand). Cytogenetic location: 7p14.3.
Variant type: single nucleotide variant.
Coding change: c.2065C>T on transcript NM_002047.4 (MANE Select); coding-DNA position 2065, C replaced by T.
Protein change: p.Arg689Cys; replaces arginine 689 with cysteine.
Molecular consequence: missense variant.
Genome position (GRCh38, 1-based): chr7:30,632,408, C>T. VCF-style: chr7-30632408-C-T. GRCh37 (hg19) VCF-style: chr7-30672024-C-T.
Other names: c.1903C>T, p.Arg635Cys (NM_001316772.1); short protein forms R635C, R689C.
Identifiers: ClinVar variation 944149 (VCV000944149.18), dbSNP rs376308368, ClinGen allele CA4206145.

ClinVar aggregate classification (germline): Uncertain significance. Review status: criteria provided, multiple submitters, no conflicts (2 of 4 stars). 3 submissions from 3 submitters: Uncertain significance (2). 1 of the submissions does not count toward it. Last evaluated 2025-08-01.

Conditions:
Charcot-Marie-Tooth disease type 2. Also called: Charcot-Marie-Tooth type 2. Identifiers: Orphanet 64746, MedGen C0270914, MONDO:0018993.
Neuronopathy, distal hereditary motor, type 5. Also called: Distal Hereditary Motor Neuropathy Type V (dHMN-V); HMN 5A; NEUROPATHY, DISTAL HEREDITARY MOTOR, HARDING TYPE VA; SPINAL MUSCULAR ATROPHY, DISTAL, HARDING TYPE VA; SPINAL MUSCULAR ATROPHY, DISTAL, HARDING TYPE V; NEURONOPATHY, DISTAL HEREDITARY MOTOR, HARDING TYPE VA. Identifiers: Orphanet 139536, MedGen C1833308, MONDO:0100350.

gnomAD v4.1: 16 of 1,614,132 alleles (0.00099%); highest among the groups gnomAD compares: African/African-American, 0.0013%; no homozygotes.

Submissions (3):

CeGaT Center for Human Genetics Tuebingen
Classification: Uncertain significance. Last evaluated: 2025-08-01. Review status: criteria provided, single submitter. Criteria: CeGaT Center For Human Genetics Tuebingen Variant Classification Criteria Version 2. Collection method: clinical testing. Allele origin: germline. Affected: yes. Observed: 1 variant allele.
Comment: GARS1: PP3

Labcorp Genetics (formerly Invitae), Labcorp
Classification: Uncertain significance for Charcot-Marie-Tooth disease type 2. Last evaluated: 2024-08-08. Review status: criteria provided, single submitter. Criteria: Invitae Variant Classification Sherloc (09022015). Collection method: clinical testing. Allele origin: germline.
Comment: This sequence change replaces arginine, which is basic and polar, with cysteine, which is neutral and slightly polar, at codon 689 of the GARS protein (p.Arg689Cys). This variant is present in population databases (no rsID available, gnomAD 0.0009%). This missense change has been observed in individual(s) with a mitochondrial respiratory chain dysfunction (PMID: 25058219, 29648643). ClinVar contains an entry for this variant (Variation ID: 944149). Advanced modeling of protein sequence and biophysical properties (such as structural, functional, and spatial information, amino acid conservation, physicochemical variation, residue mobility, and thermodynamic stability) performed at Invitae indicates that this missense variant is expected to disrupt GARS protein function with a positive predictive value of 80%. In summary, the available evidence is currently insufficient to determine the role of this variant in disease. Therefore, it has been classified as a Variant of Uncertain Significance.

Inherited Neuropathy Consortium Ii, University Of Miami
Classification: Uncertain significance for Neuronopathy, distal hereditary motor, type 5. Last evaluated: 2016-01-06. Review status: no assertion criteria provided. Collection method: literature only. Allele origin: germline. Affected: yes. Not counted in ClinVar's aggregate classification.

Literature cited by the submitters: PubMed 25058219 (cited by Labcorp Genetics (formerly Invitae), Labcorp and Inherited Neuropathy Consortium Ii, University Of Miami); PubMed 29648643 (cited by Labcorp Genetics (formerly Invitae), Labcorp).